The following is an entry in ClinVar:

ClinVar aggregate classification (germline): Uncertain significance (1 of 4 stars; one submission).

Conditions:
Long QT syndrome (LQTS). Identifiers: MedGen C0023976, MeSH D008133, MONDO:0002442. Disease mechanism: loss of function. Inheritance: Various modes of inheritance.

Allele frequency attached by ClinVar (database versions not stated): gnomAD exomes below 0.00001.
gnomAD v4.1: 2 of 1,614,194 alleles (0.00012%); highest among the groups gnomAD compares: Non-Finnish European, 0.00017%; no homozygotes.

Submission:

Labcorp Genetics (formerly Invitae), Labcorp
Classification: Uncertain significance for Long QT syndrome. Last evaluated: 2022-03-28. Review status: criteria provided, single submitter. Criteria: Invitae Variant Classification Sherloc (09022015). Collection method: clinical testing. Allele origin: germline.
Comment: In summary, the available evidence is currently insufficient to determine the role of this variant in disease. Therefore, it has been classified as a Variant of Uncertain Significance. Algorithms developed to predict the effect of missense changes on protein structure and function are either unavailable or do not agree on the potential impact of this missense change (SIFT: "Deleterious"; PolyPhen-2: "Probably Damaging"; Align-GVGD: "Class C0"). This variant has not been reported in the literature in individuals affected with AKAP9-related conditions. This variant is present in population databases (no rsID available, gnomAD 0.0009%). This sequence change replaces leucine, which is neutral and non-polar, with proline, which is neutral and non-polar, at codon 3134 of the AKAP9 protein (p.Leu3134Pro).

NM_005751.5(AKAP9):c.9401T>C (p.Leu3134Pro)

Gene: AKAP9 (A-kinase anchoring protein 9; plus strand). Cytogenetic location: 7q21.2.
Variant type: single nucleotide variant.
Coding change: c.9401T>C on transcript NM_005751.5 (MANE Select); coding-DNA position 9401, T replaced by C.
Protein change: p.Leu3134Pro; replaces leucine 3134 with proline.
Molecular consequence: missense variant.
Genome position (GRCh38, 1-based): chr7:92,093,139, T>C. VCF-style: chr7-92093139-T-C. GRCh37 (hg19) VCF-style: chr7-91722453-T-C.
Other names: c.4046T>C, p.Leu1349Pro (NM_001379277.1); c.9377T>C, p.Leu3126Pro (NM_147185.3); short protein forms L1349P, L3126P, L3134P.
Identifiers: ClinVar variation 2151469 (VCV002151469.4), dbSNP rs1333871837, ClinGen allele CA368146673.